The following is an entry in ClinVar:

NM_002087.4(GRN):c.1035G>A (p.Met345Ile)

Gene: GRN (granulin precursor; plus strand). Cytogenetic location: 17q21.31.
Variant type: single nucleotide variant.
Coding change: c.1035G>A on transcript NM_002087.4 (MANE Select); coding-DNA position 1035, G replaced by A.
Protein change: p.Met345Ile; replaces methionine 345 with isoleucine.
Molecular consequence: missense variant.
Genome position (GRCh38, 1-based): chr17:44,351,651, G>A. VCF-style: chr17-44351651-G-A. GRCh37 (hg19) VCF-style: chr17-42429019-G-A.
Other names: short protein forms M345I.
Identifiers: ClinVar variation 3758792 (VCV003758792.2).
Genomic context (GRCh38, chr17:44,351,651, plus strand): 5'-GTTTACGTGTGACACGCAGAAGGGTACCTGTGAACAGGGGCCCCACCAGGTGCCCTGGAT[G>A]GAGAAGGCCCCAGCTCACCTCAGCCTGCCAGACCCACAAGCCTTGAAGAGAGATGTCCCC-3'
Protein context (NP_002078.1, residues 335-355): CEQGPHQVPW[Met345Ile]EKAPAHLSLP

ClinVar aggregate classification (germline): Uncertain significance (1 of 4 stars; one submission).

Conditions:
Neuronal ceroid lipofuscinosis 11. Also called: GRN-Related Neuronal Ceroid-Lipofuscinosis. Identifiers: Orphanet 314629, Orphanet 79262, MedGen C3539123, MONDO:0013866, OMIM 614706.
GRN-related frontotemporal lobar degeneration with Tdp43 inclusions (FTD2). Also called: DEMENTIA, HEREDITARY DYSPHASIC DISINHIBITION; FRONTOTEMPORAL LOBAR DEGENERATION WITH UBIQUITIN-POSITIVE INCLUSIONS; FTLD-TDP, GRN-RELATED; GRN Frontotemporal Dementia; FRONTOTEMPORAL DEMENTIA WITH TDP43 INCLUSIONS, GRN-RELATED. Identifiers: Orphanet 100070, Orphanet 282, MedGen C1843792, MONDO:0011842, OMIM 607485. Disease mechanism: loss of function.

gnomAD v4.1: 1 of 1,614,092 alleles (0.000062%); highest among the groups gnomAD compares: Non-Finnish European, 0.000085%; no homozygotes.

Submission:

Labcorp Genetics (formerly Invitae), Labcorp
Classification: Uncertain significance for Neuronal ceroid lipofuscinosis 11; GRN-related frontotemporal lobar degeneration with Tdp43 inclusions. Last evaluated: 2024-07-30. Review status: criteria provided, single submitter. Criteria: Invitae Variant Classification Sherloc (09022015). Collection method: clinical testing. Allele origin: germline.
Comment: This sequence change replaces methionine, which is neutral and non-polar, with isoleucine, which is neutral and non-polar, at codon 345 of the GRN protein (p.Met345Ile). This variant is present in population databases (rs761504698, gnomAD 0.0009%). This variant has not been reported in the literature in individuals affected with GRN-related conditions. Advanced modeling of protein sequence and biophysical properties (such as structural, functional, and spatial information, amino acid conservation, physicochemical variation, residue mobility, and thermodynamic stability) performed at Invitae indicates that this missense variant is not expected to disrupt GRN protein function with a negative predictive value of 80%. In summary, the available evidence is currently insufficient to determine the role of this variant in disease. Therefore, it has been classified as a Variant of Uncertain Significance.